The following is an entry in ClinVar:

NM_000027.4(AGA):c.794G>A (p.Arg265His)

Gene: AGA (aspartylglucosaminidase; minus strand). Cytogenetic location: 4q34.3.
Variant type: single nucleotide variant.
Coding change: c.794G>A on transcript NM_000027.4 (MANE Select); coding-DNA position 794, G replaced by A.
Protein change: p.Arg265His; replaces arginine 265 with histidine.
Molecular consequence: missense variant. On other transcripts: non-coding transcript variant (1).
Genome position (GRCh38, 1-based): chr4:177,434,394, C>T on the plus strand (G>A on the coding strand, the complement: AGA is on the minus strand). VCF-style: chr4-177434394-C-T. GRCh37 (hg19) VCF-style: chr4-178355548-C-T.
Other names: c.764G>A, p.Arg255His (NM_001171988.2); short protein forms R265H, R255H.
Identifiers: ClinVar variation 348230 (VCV000348230.11), dbSNP rs375663828, ClinGen allele CA3146804.

ClinVar aggregate classification (germline): Uncertain significance. Review status: criteria provided, multiple submitters, no conflicts (2 of 4 stars). 5 submissions from 5 submitters: Uncertain significance (4). 1 of the submissions does not count toward it. Last evaluated 2025-01-07.

Conditions:
Aspartylglucosaminuria (AGU). Also called: AGA DEFICIENCY; GLYCOASPARAGINASE; GLYCOSYLASPARAGINASE DEFICIENCY; Aspartylglucos-aminuria; Aspartylglucos-amidase (AGA) deficiency. Identifiers: Orphanet 93, MedGen C0268225, MONDO:0008830, OMIM 208400, HP:0012068.
Inborn genetic diseases. Identifiers: MedGen C0950123, MeSH D030342.

Allele frequency attached by ClinVar (database versions not stated): TOPMed 0.00004; gnomAD 0.00007 and 0.00006; ESP Exome Variant Server 0.00008.
gnomAD v4.1: 244 of 1,613,806 alleles (0.015%); highest among the groups gnomAD compares: South Asian, 0.13%; 1 homozygote.

Submissions (5):

Labcorp Genetics (formerly Invitae), Labcorp
Classification: Uncertain significance for Aspartylglucosaminuria. Last evaluated: 2025-01-07. Review status: criteria provided, single submitter. Criteria: Invitae Variant Classification Sherloc (09022015). Collection method: clinical testing. Allele origin: germline.
Comment: This sequence change replaces arginine, which is basic and polar, with histidine, which is basic and polar, at codon 265 of the AGA protein (p.Arg265His). This variant is present in population databases (rs375663828, gnomAD 0.1%). This variant has not been reported in the literature in individuals affected with AGA-related conditions. ClinVar contains an entry for this variant (Variation ID: 348230). Invitae Evidence Modeling of protein sequence and biophysical properties (such as structural, functional, and spatial information, amino acid conservation, physicochemical variation, residue mobility, and thermodynamic stability) indicates that this missense variant is expected to disrupt AGA protein function with a positive predictive value of 80%. In summary, the available evidence is currently insufficient to determine the role of this variant in disease. Therefore, it has been classified as a Variant of Uncertain Significance.

GeneDx
Classification: Uncertain significance. Last evaluated: 2024-09-03. Review status: criteria provided, single submitter. Criteria: GeneDx Variant Classification Process June 2021. Collection method: clinical testing. Allele origin: germline. Affected: yes.
Comment: In silico analysis supports that this missense variant has a deleterious effect on protein structure/function; Has not been previously published as pathogenic or benign to our knowledge

Department of Pathology and Laboratory Medicine, Sinai Health System
Classification: Uncertain significance for aspartylglucosaminuria. Last evaluated: 2022-07-20. Review status: criteria provided, single submitter. Criteria: ACMG Guidelines, 2015. Collection method: research. Allele origin: germline.

Ambry Genetics
Classification: Uncertain significance for Inborn genetic diseases. Last evaluated: 2021-07-08. Review status: criteria provided, single submitter. Criteria: Ambry Variant Classification Scheme 2023. Collection method: clinical testing. Allele origin: germline.

Natera, Inc.
Classification: Uncertain significance for Aspartylglucosaminuria. Last evaluated: 2020-04-16. Review status: no assertion criteria provided. Collection method: clinical testing. Allele origin: germline. Not counted in ClinVar's aggregate classification.